The following is an entry in ClinVar:

ClinVar aggregate classification (germline): Uncertain significance (1 of 4 stars; one submission).

Allele frequency attached by ClinVar (database versions not stated): gnomAD exomes below 0.00001; TOPMed below 0.00001.
gnomAD v4.1: 6 of 1,614,162 alleles (0.00037%); highest among the groups gnomAD compares: Non-Finnish European, 0.00034%; no homozygotes.

Submission:

GeneDx
Classification: Uncertain significance. Last evaluated: 2017-06-29. Review status: criteria provided, single submitter. Criteria: GeneDx Variant Classification (06012015). Collection method: clinical testing. Allele origin: germline. Affected: yes.
Comment: The Y323H variant in the ACOT7 gene has not been reported previously as a pathogenic variant, nor as a benign variant, to our knowledge. The Y323H variant is not observed in large population cohorts (Lek et al., 2016; 1000 Genomes Consortium et al., 2015; Exome Variant Server). The Y323H variant is a non-conservative amino acid substitution, which is likely to impact secondary protein structure as these residues differ in polarity, charge, size and/or other properties. This substitution occurs at a position that is conserved across species, but in silico analysis is inconsistent in its predictions as to whether or not the variant is damaging to the protein structure/function. We interpret Y323H as a variant of uncertain significance.

NM_007274.4(ACOT7):c.937T>C (p.Tyr313His)

Gene: ACOT7 (acyl-CoA thioesterase 7; minus strand). Cytogenetic location: 1p36.31.
Variant type: single nucleotide variant.
Coding change: c.937T>C on transcript NM_007274.4 (MANE Select); coding-DNA position 937, T replaced by C.
Protein change: p.Tyr313His; replaces tyrosine 313 with histidine.
Molecular consequence: missense variant.
Genome position (GRCh38, 1-based): chr1:6,281,179, A>G on the plus strand (T>C on the coding strand, the complement: ACOT7 is on the minus strand). VCF-style: chr1-6281179-A-G. GRCh37 (hg19) VCF-style: chr1-6341239-A-G.
Other names: c.967T>C, p.Tyr323His (NM_181864.3); c.877T>C, p.Tyr293His (NM_181865.3); c.814T>C, p.Tyr272His (NM_181866.3); short protein forms Y313H, Y293H, Y323H, Y272H.
Identifiers: ClinVar variation 450125 (VCV000450125.2), dbSNP rs1553155214, ClinGen allele CA338103987.